The following is an entry in ClinVar:

NM_007294.4(BRCA1):c.4306_4308delinsCCC (p.Ser1436Pro)

Gene: BRCA1 (BRCA1 DNA repair associated; minus strand). Cytogenetic location: 17q21.31.
Variant type: Indel.
Coding change: c.4306_4308delinsCCC on transcript NM_007294.4 (MANE Select); coding-DNA positions 4306 to 4308, TCT replaced by CCC.
Protein change: p.Ser1436Pro; replaces serine 1436 with proline.
Molecular consequence: missense variant.
Genome position (GRCh38, 1-based): chr17:43,082,453-43,082,455, AGA replaced by GGG on the plus strand (TCT replaced by CCC on the coding strand, the reverse complement: BRCA1 is on the minus strand). VCF-style: chr17-43082453-AGA-GGG. GRCh37 (hg19) VCF-style: chr17-41234470-AGA-GGG.
Other names: c.880_882delinsCCC, p.Ser294Pro (NM_001408423.1, NM_001408418.1, NM_001408419.1 and 2 more transcripts); c.877_879delinsCCC, p.Ser293Pro (NM_001408424.1, NM_001408431.1, NM_001408421.1); c.874_876delinsCCC, p.Ser292Pro (NM_001408425.1, NM_001408426.1, NM_001408427.1 and 8 more transcripts); c.871_873delinsCCC, p.Ser291Pro (NM_001408432.1, NM_001408433.1, NM_001408435.1 and 10 more transcripts); c.4093_4095delinsCCC, p.Ser1365Pro (NM_001407571.1, NM_001407853.1, NM_001407894.1 and 12 more transcripts); c.4306_4308delinsCCC, p.Ser1436Pro (NM_001407581.1, NM_001407582.1, NM_001407583.1 and 23 more transcripts); c.4303_4305delinsCCC, p.Ser1435Pro (NM_001407587.1, NM_001407590.1, NM_001407591.1 and 21 more transcripts); c.4300_4302delinsCCC, p.Ser1434Pro (NM_001407627.1, NM_001407628.1, NM_001407629.1 and 5 more transcripts); and 51 more; short protein forms S1140P, S1325P, S1408P, S1432P, S165P, S285P, S286P, S288P.
Identifiers: ClinVar variation 3825292 (VCV003825292.1).

ClinVar aggregate classification (germline): Uncertain significance (1 of 4 stars; one submission).

Conditions:
Hereditary cancer-predisposing syndrome. Also called: Hereditary neoplastic syndrome; Neoplastic Syndromes, Hereditary; Tumor predisposition; Hereditary Cancer Syndrome. Identifiers: Orphanet 140162, MedGen C0027672, MeSH D009386, MONDO:0015356.

Submission:

Ambry Genetics
Classification: Uncertain significance for Hereditary cancer-predisposing syndrome. Last evaluated: 2025-01-13. Review status: criteria provided, single submitter. Criteria: Ambry Variant Classification Scheme 2023. Collection method: clinical testing. Allele origin: germline.
Comment: The c.4306_4308delTCTinsCCC variant (also known as p.S1436P), located in coding exon 11 of the BRCA1 gene, results from an in-frame deletion of TCT and insertion of CCC at nucleotide positions 4306 to 4308. This results in the substitution of the serine residue for a proline residue at codon 1436, an amino acid with similar properties. This amino acid position is not well conserved in available vertebrate species. In addition, this alteration is predicted to be tolerated by in silico analysis. Based on the available evidence, the clinical significance of this variant remains unclear.